The following is an entry in ClinVar:

NM_007294.4(BRCA1):c.130T>C (p.Cys44Arg)

Gene: BRCA1 (BRCA1 DNA repair associated; minus strand). Cytogenetic location: 17q21.31.
Variant type: single nucleotide variant.
Coding change: c.130T>C on transcript NM_007294.4 (MANE Select); coding-DNA position 130, T replaced by C.
Protein change: p.Cys44Arg; replaces cysteine 44 with arginine.
Molecular consequence: missense variant. On other transcripts: non-coding transcript variant (1), intron variant (1).
Genome position (GRCh38, 1-based): chr17:43,115,730, A>G on the plus strand (T>C on the coding strand, the complement: BRCA1 is on the minus strand). VCF-style: chr17-43115730-A-G. GRCh37 (hg19) VCF-style: chr17-41267747-A-G.
Other names: c.-59T>C (NM_001407571.1, NM_001407853.1, NM_001407879.1 and 52 more transcripts); c.130T>C, p.Cys44Arg (NM_001407581.1, NM_001407582.1, NM_001407583.1 and 192 more transcripts); c.-128T>C (NM_001407694.1, NM_001407696.1, NM_001407724.1 and 13 more transcripts); c.-132T>C (NM_001407695.1, NM_001408465.1); c.-12T>C (NM_001407697.1, NM_001407725.1, NM_001407728.1 and 47 more transcripts); c.-8T>C (NM_001407841.1); c.-175T>C (NM_001407889.1, NM_001407900.1, NM_001408492.1); c.-174T>C (NM_001407960.1, NM_001407962.1, NM_001408510.1 and 1 more transcripts); and 2 more; short protein forms C44R.
Identifiers: ClinVar variation 54192 (VCV000054192.13), dbSNP rs80357327, ClinGen allele CA000855.

ClinVar aggregate classification (germline): Pathogenic. Review status: criteria provided, single submitter (1 of 4 stars). 2 submissions from 2 submitters: Pathogenic (1). 1 of the submissions does not count toward it. Last evaluated 2019-03-06.

Conditions:
Hereditary breast ovarian cancer syndrome. Also called: Hereditary breast and ovarian cancer syndrome (HBOC); Hereditary breast and ovarian cancer syndrome; Hereditary breast and ovarian cancer; Hereditary breast and/or ovarian cancer syndrome; Breast and ovarian cancer; BRCA1- and BRCA2-Associated Hereditary Breast and Ovarian Cancer. Identifiers: Orphanet 145, MedGen C0677776, MeSH D061325, MONDO:0003582. Disease mechanism: loss of function.
Familial cancer of breast. Also called: Hereditary breast cancer; hereditary breast carcinoma; BREAST CANCER, FAMILIAL. Identifiers: Orphanet 227535, MedGen C0346153, MONDO:0016419, OMIM 114480. Disease mechanism: loss of function.

Submissions (3):

Labcorp Genetics (formerly Invitae), Labcorp
Classification: Pathogenic for Hereditary breast ovarian cancer syndrome. Last evaluated: 2019-03-06. Review status: criteria provided, single submitter. Criteria: Invitae Variant Classification Sherloc (09022015). Collection method: clinical testing. Allele origin: germline.
Comment: This variant has not been reported in the literature in individuals with BRCA1-related disease. ClinVar contains an entry for this variant (Variation ID: 54192). This variant is not present in population databases (ExAC no frequency). This sequence change replaces cysteine with arginine at codon 44 of the BRCA1 protein (p.Cys44Arg). The cysteine residue is highly conserved and there is a large physicochemical difference between cysteine and arginine. For these reasons, this variant has been classified as Pathogenic. This variant disrupts the p.Cys44 amino acid residue in BRCA1. Other variant(s) that disrupt this residue have been determined to be pathogenic (PMID: 19543972, 21990134, 27272900, 27083775, 21922593, 25823446). This suggests that this residue is clinically-significant, and that variants that disrupt this residue are likely to be disease-causing. This variant affects the highly conserved Cys44 residue within the N-terminal RING domain of the BRCA1 protein (PMID: 22843421). This variant has been reported to affect BRCA1 protein function (PMID: 16403807, 25823446, 30209399).

Brotman Baty Institute, University of Washington
No classification provided (evidence only). Condition: Breast-ovarian cancer, familial 1. Review status: no classification provided. Collection method: in vitro. Allele origin: not applicable. Functional consequence: functionally_abnormal. Not counted in ClinVar's aggregate classification.
ClinVar note: "not provided" was previously submitted as the classification for the variant. However, the classification appeared to be based only on an observation of functional data so it was converted to no classification on 2025-07-30.

ClinVar Staff, National Center for Biotechnology Information (NCBI)
No classification provided. Condition: Familial cancer of breast. Review status: no classification provided. Collection method: literature only. Allele origin: germline. Affected: yes. Not counted in ClinVar's aggregate classification.

Literature cited by the submitters: PubMed 19543972 (cited by Labcorp Genetics (formerly Invitae), Labcorp); PubMed 21990134 (cited by Labcorp Genetics (formerly Invitae), Labcorp); PubMed 27272900 (cited by Labcorp Genetics (formerly Invitae), Labcorp); PubMed 27083775 (cited by Labcorp Genetics (formerly Invitae), Labcorp); PubMed 21922593 (cited by Labcorp Genetics (formerly Invitae), Labcorp); PubMed 25823446 (cited by Labcorp Genetics (formerly Invitae), Labcorp); PubMed 22843421 (cited by Labcorp Genetics (formerly Invitae), Labcorp); PubMed 16403807 (cited by Labcorp Genetics (formerly Invitae), Labcorp and ClinVar Staff, National Center for Biotechnology Information (NCBI)); PubMed 30209399 (cited by Labcorp Genetics (formerly Invitae), Labcorp).